The following is an entry in ClinVar:

NM_001430.5(EPAS1):c.380C>T (p.Thr127Ile)

Gene: EPAS1 (endothelial PAS domain protein 1; plus strand). Cytogenetic location: 2p21.
Variant type: single nucleotide variant.
Coding change: c.380C>T on transcript NM_001430.5 (MANE Select); coding-DNA position 380, C replaced by T.
Protein change: p.Thr127Ile; replaces threonine 127 with isoleucine.
Molecular consequence: missense variant.
Genome position (GRCh38, 1-based): chr2:46,356,734, C>T. VCF-style: chr2-46356734-C-T. GRCh37 (hg19) VCF-style: chr2-46583873-C-T.
Other names: short protein forms T127I.
Identifiers: ClinVar variation 3509013 (VCV003509013.1).

ClinVar aggregate classification (germline): Uncertain significance (1 of 4 stars; one submission).

Conditions:
Inborn genetic diseases. Identifiers: MedGen C0950123, MeSH D030342.

Submission:

Ambry Genetics
Classification: Uncertain significance for Inborn genetic diseases. Last evaluated: 2024-10-29. Review status: criteria provided, single submitter. Criteria: Ambry Variant Classification Scheme 2023. Collection method: clinical testing. Allele origin: germline.
Comment: The p.T127I variant (also known as c.380C>T), located in coding exon 4 of the EPAS1 gene, results from a C to T substitution at nucleotide position 380. The threonine at codon 127 is replaced by isoleucine, an amino acid with similar properties. This amino acid position is conserved. In addition, the in silico prediction for this alteration is inconclusive. Based on the available evidence, the clinical significance of this variant remains unclear.